The following is an entry in ClinVar:

ClinVar aggregate classification (germline): Uncertain significance. Review status: criteria provided, multiple submitters, no conflicts (2 of 4 stars). 2 submissions from 2 submitters: Uncertain significance (2). Last evaluated 2024-11-23.

Allele frequency attached by ClinVar (database versions not stated): ExAC 0.00007; ESP Exome Variant Server 0.00008; 1000 Genomes Project 0.00020; 1000 Genomes Project 30x 0.00031.
gnomAD v4.1: 78 of 1,613,816 alleles (0.0048%); highest among the groups gnomAD compares: Non-Finnish European, 0.0065%; no homozygotes.

Submissions (2):

Ambry Genetics
Classification: Uncertain significance. Last evaluated: 2024-11-23. Review status: criteria provided, single submitter. Criteria: Ambry Variant Classification Scheme 2023. Collection method: clinical testing. Allele origin: germline.

CeGaT Center for Human Genetics Tuebingen
Classification: Uncertain significance. Last evaluated: 2024-05-01. Review status: criteria provided, single submitter. Criteria: CeGaT Center For Human Genetics Tuebingen Variant Classification Criteria Version 2. Collection method: clinical testing. Allele origin: germline. Affected: yes. Observed: 1 variant allele.
Comment: IKZF2: PM2

NM_001387220.1(IKZF2):c.626G>A (p.Ser209Asn)

Gene: IKZF2 (IKAROS family zinc finger 2; minus strand). Cytogenetic location: 2q34.
Variant type: single nucleotide variant.
Coding change: c.626G>A on transcript NM_001387220.1 (MANE Select); coding-DNA position 626, G replaced by A.
Protein change: p.Ser209Asn; replaces serine 209 with asparagine.
Molecular consequence: missense variant.
Genome position (GRCh38, 1-based): chr2:213,022,079, C>T on the plus strand (G>A on the coding strand, the complement: IKZF2 is on the minus strand). VCF-style: chr2-213022079-C-T. GRCh37 (hg19) VCF-style: chr2-213886803-C-T.
Other names: c.626G>A (NM_016260.2); c.548G>A, p.Ser183Asn (NM_001079526.2, NM_001371275.1, NM_001371276.1); c.626G>A, p.Ser209Asn (NM_001371274.1, NM_016260.3); c.545G>A, p.Ser182Asn (NM_001371277.1); short protein forms S182N, S183N, S209N.
Identifiers: ClinVar variation 3239078 (VCV003239078.20), dbSNP rs199733088.
Genomic context (GRCh38, chr2:213,022,079, plus strand): 5'-GCCTCCATGCTGACATTCTGGAGATAGTTGTGGCAGCGTTCCTTGTGCTCCTCCAGTGAA[C>T]TGCGCTGCTTGTAGCTTCGTCCACAGTAGTTGCACTTGTGAGGTTTACCCACTGTGAAGA-3'
Protein context (NP_001374149.1, residues 199-219): NYCGRSYKQR[Ser209Asn]SLEEHKERCH